The following is an entry in ClinVar:

ClinVar aggregate classification (germline): Uncertain significance. Review status: criteria provided, multiple submitters, no conflicts (2 of 4 stars). 2 submissions from 2 submitters: Uncertain significance (2). Last evaluated 2024-02-10.

Conditions:
Inborn genetic diseases. Identifiers: MedGen C0950123, MeSH D030342.

Allele frequency attached by ClinVar (database versions not stated): gnomAD exomes below 0.00001; TOPMed 0.00001.
gnomAD v4.1: 1 of 1,614,126 alleles (0.000062%); highest among the groups gnomAD compares: Non-Finnish European, 0.000085%; no homozygotes.

Submissions (2):

Ambry Genetics
Classification: Uncertain significance for Inborn genetic diseases. Last evaluated: 2024-02-10. Review status: criteria provided, single submitter. Criteria: Ambry Variant Classification Scheme 2023. Collection method: clinical testing. Allele origin: germline.
Comment: The p.V333M variant (also known as c.997G>A), located in coding exon 4 of the ATR gene, results from a G to A substitution at nucleotide position 997. The valine at codon 333 is replaced by methionine, an amino acid with highly similar properties. This amino acid position is conserved. In addition, this alteration is predicted to be tolerated by in silico analysis. Based on the available evidence, the clinical significance of this alteration remains unclear.

Labcorp Genetics (formerly Invitae), Labcorp
Classification: Uncertain significance. Last evaluated: 2023-07-31. Review status: criteria provided, single submitter. Criteria: Invitae Variant Classification Sherloc (09022015). Collection method: clinical testing. Allele origin: germline.
Comment: In summary, the available evidence is currently insufficient to determine the role of this variant in disease. Therefore, it has been classified as a Variant of Uncertain Significance. An algorithm developed to predict the effect of missense changes on protein structure and function (PolyPhen-2) suggests that this variant is likely to be tolerated. This variant has not been reported in the literature in individuals affected with ATR-related conditions. This variant is not present in population databases (gnomAD no frequency). This sequence change replaces valine, which is neutral and non-polar, with methionine, which is neutral and non-polar, at codon 333 of the ATR protein (p.Val333Met).

NM_001184.4(ATR):c.997G>A (p.Val333Met)

Gene: ATR (ATR checkpoint kinase; minus strand). Cytogenetic location: 3q23.
Variant type: single nucleotide variant.
Coding change: c.997G>A on transcript NM_001184.4 (MANE Select); coding-DNA position 997, G replaced by A.
Protein change: p.Val333Met; replaces valine 333 with methionine.
Molecular consequence: missense variant.
Genome position (GRCh38, 1-based): chr3:142,562,405, C>T on the plus strand (G>A on the coding strand, the complement: ATR is on the minus strand). VCF-style: chr3-142562405-C-T. GRCh37 (hg19) VCF-style: chr3-142281247-C-T.
Other names: c.997G>A, p.Val333Met (NM_001354579.2); c.997G>A (NM_001184.3); short protein forms V333M.
Identifiers: ClinVar variation 2916681 (VCV002916681.4), dbSNP rs1320148122, ClinGen allele CA354824088.